The following is an entry in ClinVar:

NM_001555.5(IGSF1):c.1687C>T (p.Leu563Phe)

Gene: IGSF1 (immunoglobulin superfamily member 1; minus strand). Cytogenetic location: Xq26.1.
Variant type: single nucleotide variant.
Coding change: c.1687C>T on transcript NM_001555.5 (MANE Select); coding-DNA position 1687, C replaced by T.
Protein change: p.Leu563Phe; replaces leucine 563 with phenylalanine.
Molecular consequence: missense variant.
Genome position (GRCh38, 1-based): chrX:131,279,301, G>A on the plus strand (C>T on the coding strand, the complement: IGSF1 is on the minus strand). VCF-style: chrX-131279301-G-A. GRCh37 (hg19) VCF-style: chrX-130413275-G-A.
Other names: c.1687C>T, p.Leu563Phe (NM_001170961.2); c.1660C>T, p.Leu554Phe (NM_001170962.2); short protein forms L554F, L563F.
Identifiers: ClinVar variation 1801050 (VCV001801050.1), dbSNP rs1348743504, ClinGen allele CA414568955.

ClinVar aggregate classification (germline): Uncertain significance (1 of 4 stars; one submission).

Allele frequency attached by ClinVar (database versions not stated): gnomAD exomes below 0.00001; TOPMed below 0.00001.
gnomAD v4.1: 1 of 1,211,153 alleles (0.000083%); highest among the groups gnomAD compares: African/African-American, 0.0017%; no homozygotes.

Submission:

GeneDx
Classification: Uncertain significance. Last evaluated: 2022-05-26. Review status: criteria provided, single submitter. Criteria: GeneDx Variant Classification Process June 2021. Collection method: clinical testing. Allele origin: germline. Affected: yes.
Comment: Not observed at significant frequency in large population cohorts (gnomAD); In silico analysis supports that this missense variant does not alter protein structure/function; Has not been previously published as pathogenic or benign to our knowledge